The following is an entry in ClinVar:

ClinVar aggregate classification (germline): Uncertain significance (1 of 4 stars; one submission).

Conditions:
SIM1-related disorder. Also called: SIM1-related disorders; SIM1-related condition.

Submission:

PreventionGenetics, part of Exact Sciences
Classification: Uncertain significance for SIM1-related condition. Last evaluated: 2025-05-17. Review status: criteria provided, single submitter. Criteria: ACMG Guidelines, 2015. Collection method: clinical testing. Allele origin: germline.
Comment: The SIM1 c.608G>C variant is predicted to result in the amino acid substitution p.Gly203Ala. To our knowledge, this variant has not been reported in the literature. This variant is reported in 0.00088% of alleles in individuals of European (Non-Finnish) descent in gnomAD. At this time, the clinical significance of this variant is uncertain due to the absence of conclusive functional and genetic evidence.

NM_005068.3(SIM1):c.608G>C (p.Gly203Ala)

Gene: SIM1 (SIM bHLH transcription factor 1; minus strand). Cytogenetic location: 6q16.3.
Variant type: single nucleotide variant.
Coding change: c.608G>C on transcript NM_005068.3 (MANE Select); coding-DNA position 608, G replaced by C.
Protein change: p.Gly203Ala; replaces glycine 203 with alanine.
Molecular consequence: missense variant.
Genome position (GRCh38, 1-based): chr6:100,448,614, C>G on the plus strand (G>C on the coding strand, the complement: SIM1 is on the minus strand). VCF-style: chr6-100448614-C-G. GRCh37 (hg19) VCF-style: chr6-100896490-C-G.
Other names: c.608G>C, p.Gly203Ala (NM_001374769.1); short protein forms G203A.
Identifiers: ClinVar variation 4998758 (VCV004998758.1).
Genomic context (GRCh38, chr6:100,448,614, plus strand): 5'-GTGACGGCGCTGGGAGGCAGCGAGTGGCCCACGGCCACCAGGCCCACGTTTTGGTAGCAG[C>G]CGTCGAAGGGGGACATGTCCAGGCTGTACTGGCGGATCTTCAAGTAGCCGCTGCAGTGGA-3'
Protein context (NP_005059.2, residues 193-213): QYSLDMSPFD[Gly203Ala]CYQNVGLVAV